The following is an entry in ClinVar:

NM_001453.3(FOXC1):c.143C>A (p.Ser48Ter)

Gene: FOXC1 (forkhead box C1; plus strand). Cytogenetic location: 6p25.3.
Variant type: single nucleotide variant.
Coding change: c.143C>A on transcript NM_001453.3 (MANE Select); coding-DNA position 143, C replaced by A.
Protein change: p.Ser48Ter; replaces serine 48 with a stop codon.
Molecular consequence: nonsense.
Genome position (GRCh38, 1-based): chr6:1,610,588, C>A. VCF-style: chr6-1610588-C-A. GRCh37 (hg19) VCF-style: chr6-1610823-C-A.
Other names: short protein forms S48*.
Identifiers: ClinVar variation 1458299 (VCV001458299.8), dbSNP rs1408057194, ClinGen allele CA362558169.

ClinVar aggregate classification (germline): Pathogenic (1 of 4 stars; one submission).

Conditions:
Axenfeld-Rieger syndrome type 3 (RIEG3). Also called: AXENFELD-RIEGER ANOMALY WITH CARDIAC DEFECTS AND/OR SENSORINEURAL HEARING LOSS. Identifiers: Orphanet 782, MedGen C2678503, MONDO:0011233, OMIM 602482.

Submission:

Labcorp Genetics (formerly Invitae), Labcorp
Classification: Pathogenic for Axenfeld-Rieger syndrome type 3. Last evaluated: 2020-12-24. Review status: criteria provided, single submitter. Criteria: Invitae Variant Classification Sherloc (09022015). Collection method: clinical testing. Allele origin: germline.
Comment: This variant is not present in population databases (ExAC no frequency). For these reasons, this variant has been classified as Pathogenic. This variant disrupts the C-terminus of the FOXC1 protein. Other variant(s) that disrupt this region (p.Ala381Glyfs*147) have been determined to be pathogenic (Invitae). This suggests that variants that disrupt this region of the protein are likely to be causative of disease. This variant has been observed in individual(s) with clinical features of Axenfeld-Rieger syndrome (PMID: 16936096). This sequence change creates a premature translational stop signal (p.Ser48*) in the FOXC1 gene. While this is not anticipated to result in nonsense mediated decay, it is expected to disrupt the last 506 amino acid(s) of the FOXC1 protein.

Literature cited by the submitters: PubMed 16936096.